The following is an entry in ClinVar:

ClinVar aggregate classification (germline): Uncertain significance. Review status: criteria provided, multiple submitters, no conflicts (2 of 4 stars). 2 submissions from 2 submitters: Uncertain significance (2). Last evaluated 2024-08-28.

Conditions:
Shprintzen-Goldberg syndrome (SGS). Also called: SHPRINTZEN-GOLDBERG CRANIOSYNOSTOSIS SYNDROME; CRANIOSYNOSTOSIS WITH ARACHNODACTYLY AND ABDOMINAL HERNIAS; Marfanoid disorder with craniosynostosis type 1; Marfanoid craniosynostosis syndrome; Shprintzen-Goldberg marfanoid syndrome. Identifiers: Orphanet 2462, MedGen C1321551, MONDO:0008426, OMIM 182212.

gnomAD v4.1: 1 of 1,557,552 alleles (0.000064%); highest among the groups gnomAD compares: Admixed American, 0.0019%; no homozygotes.

Submissions (2):

Labcorp Genetics (formerly Invitae), Labcorp
Classification: Uncertain significance for Shprintzen-Goldberg syndrome. Last evaluated: 2024-08-28. Review status: criteria provided, single submitter. Criteria: Invitae Variant Classification Sherloc (09022015). Collection method: clinical testing. Allele origin: germline.
Comment: This sequence change replaces arginine, which is basic and polar, with leucine, which is neutral and non-polar, at codon 323 of the SKI protein (p.Arg323Leu). This variant is not present in population databases (gnomAD no frequency). This variant has not been reported in the literature in individuals affected with SKI-related conditions. ClinVar contains an entry for this variant (Variation ID: 1011827). An algorithm developed to predict the effect of missense changes on protein structure and function outputs the following: PolyPhen-2: "Benign". The leucine amino acid residue is found in multiple mammalian species, which suggests that this missense change does not adversely affect protein function. In summary, the available evidence is currently insufficient to determine the role of this variant in disease. Therefore, it has been classified as a Variant of Uncertain Significance.

AiLife Diagnostics
Classification: Uncertain significance. Last evaluated: 2021-06-29. Review status: criteria provided, single submitter. Criteria: ACMG Guidelines, 2015. Collection method: clinical testing. Allele origin: germline. Affected: yes. Observed: 1 variant allele.

NM_003036.4(SKI):c.968G>T (p.Arg323Leu)

Gene: SKI (SKI proto-oncogene; plus strand). Cytogenetic location: 1p36.33.
Variant type: single nucleotide variant.
Coding change: c.968G>T on transcript NM_003036.4 (MANE Select); coding-DNA position 968, G replaced by T.
Protein change: p.Arg323Leu; replaces arginine 323 with leucine.
Molecular consequence: missense variant.
Genome position (GRCh38, 1-based): chr1:2,229,734, G>T. VCF-style: chr1-2229734-G-T. GRCh37 (hg19) VCF-style: chr1-2161173-G-T.
Other names: short protein forms R323L.
Identifiers: ClinVar variation 1011827 (VCV001011827.9), dbSNP rs1638589251, ClinGen allele CA337956645.